The following is an entry in ClinVar:

ClinVar aggregate classification (germline): Conflicting classifications of pathogenicity. Review status: criteria provided, conflicting classifications (1 of 4 stars). 7 submissions from 7 submitters: Uncertain significance (6); Likely benign (1). Last evaluated 2025-12-29.

Conditions:
Familial cancer of breast. Also called: BREAST CANCER, FAMILIAL; Hereditary breast cancer; hereditary breast carcinoma. Identifiers: Orphanet 227535, MedGen C0346153, MONDO:0016419, OMIM 114480. Disease mechanism: loss of function.
Breast-ovarian cancer, familial, susceptibility to, 5 (BROVCA5). Identifiers: MedGen C5830615, MONDO:0957530, OMIM 620442.
Hereditary cancer-predisposing syndrome. Also called: Tumor predisposition; Hereditary Cancer Syndrome; Hereditary neoplastic syndrome; Neoplastic Syndromes, Hereditary. Identifiers: Orphanet 140162, MedGen C0027672, MeSH D009386, MONDO:0015356.

Allele frequency attached by ClinVar (database versions not stated): gnomAD exomes below 0.00001 and 0.00002; gnomAD 0.00001; TOPMed 0.00001; ExAC 0.00004.
gnomAD v4.1: 6 of 1,613,876 alleles (0.00037%); highest among the groups gnomAD compares: African/African-American, 0.0053%; no homozygotes.

Submissions (7):

Center for Genomic Medicine, Rigshospitalet, Copenhagen University Hospital
Classification: Uncertain significance. Last evaluated: 2025-12-29. Review status: criteria provided, single submitter. Criteria: ACMG Guidelines, 2015. Collection method: clinical testing. Allele origin: germline.
Comment: Classification criteria: BP1_supporting

Labcorp Genetics (formerly Invitae), Labcorp
Classification: Uncertain significance for Familial cancer of breast. Last evaluated: 2025-10-09. Review status: criteria provided, single submitter. Criteria: Invitae Variant Classification Sherloc (09022015). Collection method: clinical testing. Allele origin: germline.
Comment: This sequence change replaces isoleucine, which is neutral and non-polar, with valine, which is neutral and non-polar, at codon 1131 of the PALB2 protein (p.Ile1131Val). This variant is present in population databases (rs774517454, gnomAD 0.02%). This variant has not been reported in the literature in individuals affected with PALB2-related conditions. ClinVar contains an entry for this variant (Variation ID: 410163). An algorithm developed to predict the effect of missense changes on protein structure and function outputs the following: PolyPhen-2: "Benign". The valine amino acid residue is found in multiple mammalian species, which suggests that this missense change does not adversely affect protein function. In summary, the available evidence is currently insufficient to determine the role of this variant in disease. Therefore, it has been classified as a Variant of Uncertain Significance.

GeneDx
Classification: Uncertain significance. Last evaluated: 2024-11-01. Review status: criteria provided, single submitter. Criteria: GeneDx Variant Classification Process June 2021. Collection method: clinical testing. Allele origin: germline. Affected: yes.
Comment: In silico analysis indicates that this missense variant does not alter protein structure/function; Has not been previously published as pathogenic or benign to our knowledge; This variant is associated with the following publications: (PMID: 22778927, 19609323, 20871615, 24485656)

Department of Pathology and Laboratory Medicine, Sinai Health System
Classification: Uncertain significance for Breast-ovarian cancer, familial, susceptibility to, 5. Last evaluated: 2022-09-29. Review status: criteria provided, single submitter. Criteria: ACMG Guidelines, 2015. Collection method: clinical testing. Allele origin: germline. Affected: yes.

Color Diagnostics, LLC DBA Color Health
Classification: Uncertain significance for Hereditary cancer-predisposing syndrome. Last evaluated: 2022-05-10. Review status: criteria provided, single submitter. Criteria: ACMG Guidelines, 2015. Collection method: clinical testing. Allele origin: germline.
Comment: This missense variant replaces isoleucine with valine at codon 1131 of the PALB2 protein. Computational prediction suggests that this variant may not impact protein structure and function (internally defined REVEL score threshold <= 0.5, PMID: 27666373). To our knowledge, functional studies have not been reported for this variant. This variant has been detected in a breast cancer case-control meta-analysis in 1/60466 cases and 0/53461 unaffected individuals (PMID: 33471991; Leiden Open Variation Database DB-ID PALB2_010751). This variant has been identified in 6/282792 chromosomes in the general population by the Genome Aggregation Database (gnomAD). The available evidence is insufficient to determine the role of this variant in disease conclusively. Therefore, this variant is classified as a Variant of Uncertain Significance.

Ambry Genetics
Classification: Likely benign for Hereditary cancer-predisposing syndrome. Last evaluated: 2021-09-30. Review status: criteria provided, single submitter. Criteria: Ambry Variant Classification Scheme 2023. Collection method: clinical testing. Allele origin: germline.

Women's Health and Genetics/Laboratory Corporation of America, LabCorp
Classification: Uncertain significance. Last evaluated: 2017-07-28. Review status: criteria provided, single submitter. Criteria: LabCorp Variant Classification Summary - May 2015. Collection method: clinical testing. Allele origin: germline.
Comment: Variant summary: The PALB2 c.3391A>G (p.Ile1131Val) variant involves the alteration of a non-conserved nucleotide. 5/5 in silico tools predict a benign outcome for this variant. This variant was found in 5/121182 control chromosomes, predominantly observed in the East Asian subpopulation at a frequency of 0.000347 (3/8648). This frequency is about 2 times the estimated maximal expected allele frequency of a pathogenic PALB2 variant (0.0001563), suggesting this is possibly a benign polymorphism found primarily in the populations of East Asian origin, although the total allele count of 3 is rather low. In addition, one clinical diagnostic laboratory classified this variant as uncertain significance. The variant of interest has not, to our knowledge, been reported in affected individuals via publications; nor evaluated for functional impact by in vivo/vitro studies. Because of the absence of clinical information and the lack of functional studies, the variant is classified as a variant of uncertain significance (VUS) until additional information becomes available.

Literature cited by the submitters: PubMed 33471991 (cited by Color Diagnostics, LLC DBA Color Health).

NM_024675.4(PALB2):c.3391A>G (p.Ile1131Val)

Gene: PALB2 (partner and localizer of BRCA2; minus strand). Cytogenetic location: 16p12.2.
Variant type: single nucleotide variant.
Coding change: c.3391A>G on transcript NM_024675.4 (MANE Select); coding-DNA position 3391, A replaced by G.
Protein change: p.Ile1131Val; replaces isoleucine 1131 with valine.
Molecular consequence: missense variant.
Genome position (GRCh38, 1-based): chr16:23,603,629, T>C on the plus strand (A>G on the coding strand, the complement: PALB2 is on the minus strand). VCF-style: chr16-23603629-T-C. GRCh37 (hg19) VCF-style: chr16-23614950-T-C.
Other names: short protein forms I1131V.
Identifiers: ClinVar variation 410163 (VCV000410163.25), dbSNP rs774517454, ClinGen allele CA7963344.
Genomic context (GRCh38, chr16:23,603,629, plus strand): 5'-GGAGGGCAGTACACTGACCGAGAAGTAAGTCCCAAATGGCAATTGTTCCAGAAGTCAAGA[T>C]TGCTGCTGCACAGTGATCTTTCACGTCACCTTCCAGGAACCTGATAGCATACAAAGAAGA-3'
Protein context (NP_078951.2, residues 1121-1141): GDVKDHCAAA[Ile1131Val]LTSGTIAIWD